The following is an entry in ClinVar:

ClinVar aggregate classification (germline): Uncertain significance. Review status: criteria provided, multiple submitters, no conflicts (2 of 4 stars). 2 submissions from 2 submitters: Uncertain significance (2). Last evaluated 2025-05-05.

Allele frequency attached by ClinVar (database versions not stated): TOPMed below 0.00001.

Submissions (2):

Labcorp Genetics (formerly Invitae), Labcorp
Classification: Uncertain significance. Last evaluated: 2025-05-05. Review status: criteria provided, single submitter. Criteria: Invitae Variant Classification Sherloc (09022015). Collection method: clinical testing. Allele origin: germline.
Comment: This sequence change replaces leucine, which is neutral and non-polar, with phenylalanine, which is neutral and non-polar, at codon 12 of the CARMIL2 protein (p.Leu12Phe). This variant is not present in population databases (gnomAD no frequency). This variant has not been reported in the literature in individuals affected with CARMIL2-related conditions. ClinVar contains an entry for this variant (Variation ID: 2079064). Invitae Evidence Modeling of protein sequence and biophysical properties (such as structural, functional, and spatial information, amino acid conservation, physicochemical variation, residue mobility, and thermodynamic stability) indicates that this missense variant is not expected to disrupt CARMIL2 protein function with a negative predictive value of 80%. In summary, the available evidence is currently insufficient to determine the role of this variant in disease. Therefore, it has been classified as a Variant of Uncertain Significance.

Blueprint Genetics
Classification: Uncertain significance. Last evaluated: 2023-11-21. Review status: criteria provided, single submitter. Criteria: ACMG Guidelines, 2015. Collection method: clinical testing. Allele origin: germline.

NM_001013838.3(CARMIL2):c.34C>T (p.Leu12Phe)

Gene: CARMIL2 (capping protein regulator and myosin 1 linker 2; plus strand). Cytogenetic location: 16q22.1.
Variant type: single nucleotide variant.
Coding change: c.34C>T on transcript NM_001013838.3 (MANE Select); coding-DNA position 34, C replaced by T.
Protein change: p.Leu12Phe; replaces leucine 12 with phenylalanine.
Molecular consequence: missense variant.
Genome position (GRCh38, 1-based): chr16:67,645,280, C>T. VCF-style: chr16-67645280-C-T. GRCh37 (hg19) VCF-style: chr16-67679183-C-T.
Other names: c.34C>T, p.Leu12Phe (NM_001317026.3); short protein forms L12F.
Identifiers: ClinVar variation 2079064 (VCV002079064.5), dbSNP rs1274542751, ClinGen allele CA396328461.